The following is an entry in ClinVar:

ClinVar aggregate classification (germline): Uncertain significance (1 of 4 stars; one submission).

Allele frequency attached by ClinVar (database versions not stated): gnomAD 0.00002.

Submission:

Labcorp Genetics (formerly Invitae), Labcorp
Classification: Uncertain significance. Last evaluated: 2022-11-28. Review status: criteria provided, single submitter. Criteria: Invitae Variant Classification Sherloc (09022015). Collection method: clinical testing. Allele origin: germline.
Comment: In summary, the available evidence is currently insufficient to determine the role of this variant in disease. Therefore, it has been classified as a Variant of Uncertain Significance. Algorithms developed to predict the effect of missense changes on protein structure and function are either unavailable or do not agree on the potential impact of this missense change (SIFT: "Deleterious"; PolyPhen-2: "Benign"; Align-GVGD: "Class C0"). This variant has not been reported in the literature in individuals affected with AHDC1-related conditions. This variant is not present in population databases (gnomAD no frequency). This sequence change replaces proline, which is neutral and non-polar, with histidine, which is basic and polar, at codon 409 of the AHDC1 protein (p.Pro409His).

NM_001371928.1(AHDC1):c.1226C>A (p.Pro409His)

Gene: AHDC1 (AT-hook DNA binding motif containing 1; minus strand). Cytogenetic location: 1p36.11.
Variant type: single nucleotide variant.
Coding change: c.1226C>A on transcript NM_001371928.1 (MANE Select); coding-DNA position 1226, C replaced by A.
Protein change: p.Pro409His; replaces proline 409 with histidine.
Molecular consequence: missense variant.
Genome position (GRCh38, 1-based): chr1:27,550,890, G>T on the plus strand (C>A on the coding strand, the complement: AHDC1 is on the minus strand). VCF-style: chr1-27550890-G-T. GRCh37 (hg19) VCF-style: chr1-27877401-G-T.
Other names: c.1226C>A, p.Pro409His (NM_001029882.3); short protein forms P409H.
Identifiers: ClinVar variation 2959153 (VCV002959153.3), dbSNP rs1431877077, ClinGen allele CA339234826.